The following is an entry in ClinVar:

ClinVar aggregate classification (germline): Uncertain significance (1 of 4 stars; one submission).

Submission:

Ambry Genetics
Classification: Uncertain significance. Last evaluated: 2023-11-10. Review status: criteria provided, single submitter. Criteria: Ambry Variant Classification Scheme 2023. Collection method: clinical testing. Allele origin: germline.
Comment: The p.N1676T variant (also known as c.5027A>C), located in coding exon 16 of the POLQ gene, results from an A to C substitution at nucleotide position 5027. The asparagine at codon 1676 is replaced by threonine, an amino acid with similar properties. This amino acid position is conserved. In addition, this alteration is predicted to be tolerated by in silico analysis. Since supporting evidence is limited at this time, the clinical significance of this alteration remains unclear.

NM_199420.4(POLQ):c.5027A>C (p.Asn1676Thr)

Gene: POLQ (DNA polymerase theta; minus strand). Cytogenetic location: 3q13.33.
Variant type: single nucleotide variant.
Coding change: c.5027A>C on transcript NM_199420.4 (MANE Select); coding-DNA position 5027, A replaced by C.
Protein change: p.Asn1676Thr; replaces asparagine 1676 with threonine.
Molecular consequence: missense variant.
Genome position (GRCh38, 1-based): chr3:121,487,904, T>G on the plus strand (A>C on the coding strand, the complement: POLQ is on the minus strand). VCF-style: chr3-121487904-T-G. GRCh37 (hg19) VCF-style: chr3-121206751-T-G.
Other names: short protein forms N1676T.
Identifiers: ClinVar variation 3230034 (VCV003230034.1), dbSNP rs2546785228, ClinGen allele CA354092329.